The following is an entry in ClinVar:

NM_003922.4(HERC1):c.3953C>G (p.Thr1318Arg)

Gene: HERC1 (HECT and RLD domain containing E3 ubiquitin protein ligase family member 1; minus strand). Cytogenetic location: 15q22.31.
Variant type: single nucleotide variant.
Coding change: c.3953C>G on transcript NM_003922.4 (MANE Select); coding-DNA position 3953, C replaced by G.
Protein change: p.Thr1318Arg; replaces threonine 1318 with arginine.
Molecular consequence: missense variant.
Genome position (GRCh38, 1-based): chr15:63,718,599, G>C on the plus strand (C>G on the coding strand, the complement: HERC1 is on the minus strand). VCF-style: chr15-63718599-G-C. GRCh37 (hg19) VCF-style: chr15-64010798-G-C.
Other names: short protein forms T1318R.
Identifiers: ClinVar variation 2171297 (VCV002171297.4), dbSNP rs753441944, ClinGen allele CA7605922.

ClinVar aggregate classification (germline): Conflicting classifications of pathogenicity. Review status: criteria provided, conflicting classifications (1 of 4 stars). 2 submissions from 2 submitters: Uncertain significance (1); Likely benign (1). Last evaluated 2024-09-20.

Conditions:
Macrocephaly, dysmorphic facies, and psychomotor retardation (MDFPMR). Identifiers: Orphanet 457359, MedGen C4310766, MONDO:0014863, OMIM 617011.

Allele frequency attached by ClinVar (database versions not stated): TOPMed below 0.00001; gnomAD exomes 0.00001; ExAC 0.00005.
gnomAD v4.1: 6 of 1,584,492 alleles (0.00038%); highest among the groups gnomAD compares: Middle Eastern, 0.066%; no homozygotes.

Submissions (2):

3billion
Classification: Likely benign for Macrocephaly, dysmorphic facies, and psychomotor retardation. Last evaluated: 2024-09-20. Review status: criteria provided, single submitter. Criteria: ACMG Guidelines, 2015. Collection method: clinical testing. Allele origin: germline. Affected: no.
Comment: The homozygous variant was found in patients diagnosed with another variant in a different gene, with no symptoms related to the gene containing the homozygous variant.

Labcorp Genetics (formerly Invitae), Labcorp
Classification: Uncertain significance. Last evaluated: 2022-05-19. Review status: criteria provided, single submitter. Criteria: Invitae Variant Classification Sherloc (09022015). Collection method: clinical testing. Allele origin: germline.
Comment: In summary, the available evidence is currently insufficient to determine the role of this variant in disease. Therefore, it has been classified as a Variant of Uncertain Significance. Algorithms developed to predict the effect of sequence changes on RNA splicing suggest that this variant may create or strengthen a splice site. Algorithms developed to predict the effect of missense changes on protein structure and function (SIFT, PolyPhen-2, Align-GVGD) all suggest that this variant is likely to be disruptive. This variant has not been reported in the literature in individuals affected with HERC1-related conditions. This variant is present in population databases (rs753441944, gnomAD 0.001%). This sequence change replaces threonine, which is neutral and polar, with arginine, which is basic and polar, at codon 1318 of the HERC1 protein (p.Thr1318Arg).